The following is an entry in ClinVar:

NM_198968.4(DZIP1):c.1490C>G (p.Ser497Trp)

Gene: DZIP1 (DAZ interacting zinc finger protein 1; minus strand). Cytogenetic location: 13q32.1.
Variant type: single nucleotide variant.
Coding change: c.1490C>G on transcript NM_198968.4 (MANE Select); coding-DNA position 1490, C replaced by G.
Protein change: p.Ser497Trp; replaces serine 497 with tryptophan.
Molecular consequence: missense variant.
Genome position (GRCh38, 1-based): chr13:95,599,412, G>C on the plus strand (C>G on the coding strand, the complement: DZIP1 is on the minus strand). VCF-style: chr13-95599412-G-C. GRCh37 (hg19) VCF-style: chr13-96251666-G-C.
Other names: c.1433C>G, p.Ser478Trp (NM_014934.5); short protein forms S478W, S497W.
Identifiers: ClinVar variation 3347773 (VCV003347773.1).

ClinVar aggregate classification (germline): Uncertain significance (0 of 4 stars; one submission).

Conditions:
DZIP1-related disorder. Also called: DZIP1-related condition.

gnomAD v4.1: 3 of 1,613,432 alleles (0.00019%); highest among the groups gnomAD compares: Non-Finnish European, 0.00025%; no homozygotes.

Submission:

PreventionGenetics, part of Exact Sciences
Classification: Uncertain significance for DZIP1-related condition. Last evaluated: 2024-07-10. Review status: no assertion criteria provided. Collection method: clinical testing. Allele origin: germline.
Comment: The DZIP1 c.1490C>G variant is predicted to result in the amino acid substitution p.Ser497Trp. To our knowledge, this variant has not been reported in the literature. This variant is reported in 0.00088% of alleles in individuals of European (Non-Finnish) descent in gnomAD. At this time, the clinical significance of this variant is uncertain due to the absence of conclusive functional and genetic evidence.